The following is an entry in ClinVar:

NM_133372.3(FNIP1):c.677G>A (p.Arg226His)

Gene: FNIP1 (folliculin interacting protein 1; minus strand). Cytogenetic location: 5q31.1.
Variant type: single nucleotide variant.
Coding change: c.677G>A on transcript NM_133372.3 (MANE Select); coding-DNA position 677, G replaced by A.
Protein change: p.Arg226His; replaces arginine 226 with histidine.
Molecular consequence: missense variant. On other transcripts: intron variant (1).
Genome position (GRCh38, 1-based): chr5:131,710,607, C>T on the plus strand (G>A on the coding strand, the complement: FNIP1 is on the minus strand). VCF-style: chr5-131710607-C-T. GRCh37 (hg19) VCF-style: chr5-131046300-C-T.
Other names: c.677G>A, p.Arg226His (NM_001346113.2); c.542G>A, p.Arg181His (NM_001346114.2); c.623-1335G>A (NM_001008738.3); c.677G>A (NM_133372.2); short protein forms R181H, R226H.
Identifiers: ClinVar variation 2174735 (VCV002174735.4), dbSNP rs747434286, ClinGen allele CA3400851.

ClinVar aggregate classification (germline): Uncertain significance. Review status: criteria provided, multiple submitters, no conflicts (2 of 4 stars). 2 submissions from 2 submitters: Uncertain significance (2). Last evaluated 2025-10-18.

Conditions:
Inborn genetic diseases. Identifiers: MedGen C0950123, MeSH D030342.

Allele frequency attached by ClinVar (database versions not stated): gnomAD 0.00009; TOPMed 0.00014; ExAC 0.00003.
gnomAD v4.1: 56 of 1,613,812 alleles (0.0035%); highest among the groups gnomAD compares: South Asian, 0.018%; no homozygotes.

Submissions (2):

Ambry Genetics
Classification: Uncertain significance for Inborn genetic diseases. Last evaluated: 2025-10-18. Review status: criteria provided, single submitter. Criteria: Ambry Variant Classification Scheme 2023. Collection method: clinical testing. Allele origin: germline.

Labcorp Genetics (formerly Invitae), Labcorp
Classification: Uncertain significance. Last evaluated: 2022-08-13. Review status: criteria provided, single submitter. Criteria: Invitae Variant Classification Sherloc (09022015). Collection method: clinical testing. Allele origin: germline.
Comment: This sequence change replaces arginine, which is basic and polar, with histidine, which is basic and polar, at codon 226 of the FNIP1 protein (p.Arg226His). This variant is present in population databases (rs747434286, gnomAD 0.02%). This variant has not been reported in the literature in individuals affected with FNIP1-related conditions. Algorithms developed to predict the effect of missense changes on protein structure and function are either unavailable or do not agree on the potential impact of this missense change (SIFT: "Tolerated"; PolyPhen-2: "Probably Damaging"; Align-GVGD: "Class C0"). In summary, the available evidence is currently insufficient to determine the role of this variant in disease. Therefore, it has been classified as a Variant of Uncertain Significance.